The following is an entry in ClinVar:

ClinVar aggregate classification (germline): Benign (1 of 4 stars; one submission).

Allele frequency attached by ClinVar (database versions not stated): 1000 Genomes Project 30x 0.00265; 1000 Genomes Project 0.00280; TOPMed 0.00396; gnomAD 0.00577.
gnomAD v4.1: 868 of 152,176 alleles (0.57%); highest among the groups gnomAD compares: Middle Eastern, 1.7%; 4 homozygotes.

Submission:

CeGaT Center for Human Genetics Tuebingen
Classification: Benign. Last evaluated: 2022-12-01. Review status: criteria provided, single submitter. Criteria: CeGaT Center For Human Genetics Tuebingen Variant Classification Criteria Version 2. Collection method: clinical testing. Allele origin: germline. Affected: yes. Observed: 1 variant allele.
Comment: BEAN1: BS1, BS2

NM_001178020.3(BEAN1):c.25+9842C>T

Gene: BEAN1 (brain expressed associated with NEDD4 1; plus strand). Cytogenetic location: 16q21.
Variant type: single nucleotide variant.
Coding change: c.25+9842C>T on transcript NM_001178020.3 (MANE Select); 9842 bases into the intron after coding-DNA position 25, C replaced by T.
Molecular consequence: intron variant.
Genome position (GRCh38, 1-based): chr16:66,447,543, C>T. VCF-style: chr16-66447543-C-T. GRCh37 (hg19) VCF-style: chr16-66481446-C-T.
Other names: c.-303+20112C>T (NM_001197224.4, NM_001136106.5).
Identifiers: ClinVar variation 2646595 (VCV002646595.24), dbSNP rs188932587, ClinGen allele CA282161732.